The following is an entry in ClinVar:

ClinVar aggregate classification (germline): Pathogenic. Review status: reviewed by expert panel (3 of 4 stars). 11 submissions from 11 submitters: Pathogenic (1). 10 of the submissions do not count toward it. Last evaluated 2024-03-08.

Conditions:
X-linked severe combined immunodeficiency (SCIDX1). Also called: X-Linked Combined Immunodeficiency Diseases; T-B+ severe combined immunodeficiency due to gamma chain deficiency; IMMUNODEFICIENCY 4; SCID, X-LINKED; SEVERE COMBINED IMMUNODEFICIENCY, X-LINKED, T CELL-NEGATIVE, B CELL-POSITIVE, NK CELL-NEGATIVE. Identifiers: Orphanet 276, MedGen C6022468, MONDO:0010315, OMIM 300400. Disease mechanism: loss of function.
Combined immunodeficiency, X-linked (CIDX). Also called: IMMUNODEFICIENCY 6. Identifiers: MedGen C6022467, MONDO:0010730, OMIM 312863.
IL2RG-related disorders.
SCID with features of gamma chain deficiency.

Submissions (11):

ClinGen Severe Combined Immunodeficiency Variant Curation Expert Panel, ClinGen
Classification: Pathogenic for X-linked severe combined immunodeficiency. Last evaluated: 2024-03-08. Review status: reviewed by expert panel. Criteria: ClinGen SCID ACMG Specifications IL2RG V1.0.0. Collection method: curation. Allele origin: germline. Inheritance: X-linked inheritance.
Comment: The NM_000206.3:c.670C>T variant in IL2RG is a missense variant predicted to cause substitution of arginine by tryptophan at amino acid 224 (p.Arg226Trp). The variant has been observed in at least 10 male probands with SCID (PMIDs 28747913, 21184155, 10792291, 9633906, 9058718, 9049783) (PS4). Among these probands, one proband hemizygous for this variant was diagnosed with SCID and presented a T-B+NK- lymphocyte profile (PMID 9049783) (PP4). The variant is absent from gnomAD v4.0 (PM2_Supporting). The variant affects CpG dinucleotides at c.670C, which is defined as a mutational hotspot by the ClinGen SCID VCEP (PMID 7668284) (PM1_Strong). Surface expression of the IL-2 receptor gamma chain in patient B cells showed that the variant causes decreased surface localization of the protein, indicating that this variant impacts protein function (PMID 9058718)(PS3_Supporting). In summary, this variant meets the criteria to be classified as pathogenic for SCID. ACMG/AMP criteria applied, as specified by the ClinGen SCID-VCEP: PM1_Strong, PS4, PP4_Supporting, PM2_Supporting, PS3_Supporting. (VCEP specifications version 1.0)

Natera, Inc.
Classification: Pathogenic for X-linked severe combined immunodeficiency. Last evaluated: 2025-12-16. Review status: criteria provided, single submitter. Criteria: Natera Variant Classification Schema (03/2026). Collection method: clinical testing. Allele origin: germline. Not counted in ClinVar's aggregate classification.
Comment: The c.670C>T variant in IL2RG is a missense variant predicted to cause substitution of arginine to tryptophan at amino acid 224. This variant is rare in the general population with a frequency below the threshold expected for the associated phenotype(s). This variant has been observed in affected individual(s) with monoallelic occurrence (heterozygous/hemizygous) (PMID: 28747913, 21184155, 10792291, 22105576). Additionally, this variant has been observed to segregate in affected family members (PMID: 22105576). This variant is located in a functionally critical region of the protein. Computational prediction algorithms indicate this variant is likely to affect gene or protein function. Given the available evidence, this variant is classified as Pathogenic.

Genetics Laboratory, Great Ormond Street Hospital NHS Foundation Trust, North Thames Genomic Laboratory Hub
Classification: Pathogenic for SCID with features of gamma chain deficiency. Last evaluated: 2025-10-16. Review status: criteria provided, single submitter. Criteria: ACGS Best Practice Guidelines for Variant Classification in Rare Disease 2024 v1.2. Collection method: clinical testing. Allele origin: germline. Affected: yes. Not counted in ClinVar's aggregate classification.
Comment: PS4_moderate, PM2_moderate, PP3_supporting, PM1_strong, PP4_supporting

3billion
Classification: Pathogenic for X-linked severe combined immunodeficiency. Last evaluated: 2025-05-21. Review status: criteria provided, single submitter. Criteria: ACMG Guidelines, 2015. Collection method: clinical testing. Allele origin: germline. Affected: yes. Not counted in ClinVar's aggregate classification.
Comment: The variant is not observed in the gnomAD v4.1.0 dataset. Predicted Consequence/Location: Missense variant Functional studies provide supporting evidence of the variant having a damaging effect on the gene or gene product (PMID: 9058718). In silico tool predictions suggest damaging effect of the variant on gene or gene product [REVEL: 0.91 (>=0.6, sensitivity 0.68 and specificity 0.92)]. The same nucleotide change resulting in the same amino acid change has been previously reported as pathogenic/likely pathogenic with strong evidence (ClinVar ID: VCV000225194 /PMID: 9058718). The variant has been observed in multiple (>3) similarly affected unrelated individuals (PMID: 9058718). A different missense change at the same codon (p.Arg224Pro) has been reported to be associated with IL2RG-related disorder (ClinVar ID: VCV002768005). Therefore, this variant is classified as Pathogenic according to the recommendation of ACMG/AMP guideline.

Next Generation Genetic Polyclinic
Classification: Pathogenic for X-linked severe combined immunodeficiency. Last evaluated: 2025-05-17. Review status: criteria provided, single submitter. Criteria: ACMG Guidelines, 2015. Collection method: clinical testing. Allele origin: germline. Affected: yes. Observed: 1 variant allele. Not counted in ClinVar's aggregate classification.
Comment: The NM_000206.3:c.670C>T variant in the IL2RG gene results in a missense mutation (p.Arg224Trp), replacing a highly conserved arginine with tryptophan in the common gamma chain of interleukin receptors. IL2RG is essential for signaling through multiple interleukins (IL-2, IL-4, IL-7, IL-9, IL-15, IL-21), which are critical for T and NK cell development. This variant disrupts receptor surface expression and downstream signaling, particularly the JAK3-STAT5 pathway, leading to X-linked severe combined immunodeficiency (X-SCID) with a T− B+ NK− immunophenotype. It is absent from population databases and has been reported in multiple affected males, fulfilling ACMG criteria for pathogenicity including PS4, PM1_Strong, PM2_Supporting, PS3_Supporting, and PP42. The hemizygous state in males and deleterious functional impact confirm its role in disease causation. Sanger sequencing confirmed variant presence.

Labcorp Genetics (formerly Invitae), Labcorp
Classification: Pathogenic for X-linked severe combined immunodeficiency. Last evaluated: 2024-08-06. Review status: criteria provided, single submitter. Criteria: Invitae Variant Classification Sherloc (09022015). Collection method: clinical testing. Allele origin: germline. Not counted in ClinVar's aggregate classification.
Comment: This sequence change replaces arginine, which is basic and polar, with tryptophan, which is neutral and slightly polar, at codon 224 of the IL2RG protein (p.Arg224Trp). This variant is not present in population databases (gnomAD no frequency). This missense change has been observed in individual(s) with X-linked severe combined immunodeficiency (PMID: 9049783, 9058718, 9633906, 10792291, 21184155, 28747913). This variant is also known as c.684C>T. ClinVar contains an entry for this variant (Variation ID: 225194). Advanced modeling of protein sequence and biophysical properties (such as structural, functional, and spatial information, amino acid conservation, physicochemical variation, residue mobility, and thermodynamic stability) performed at Invitae indicates that this missense variant is expected to disrupt IL2RG protein function with a positive predictive value of 80%. For these reasons, this variant has been classified as Pathogenic.

Blueprint Genetics
Classification: Pathogenic for IL2RG-related disorders. Last evaluated: 2023-04-21. Review status: criteria provided, single submitter. Criteria: ACMG Guidelines, 2015. Collection method: clinical testing. Allele origin: germline. Affected: yes. Observed: 1 variant allele. Not counted in ClinVar's aggregate classification.

Revvity Omics, Revvity
Classification: Likely pathogenic. Last evaluated: 2022-07-20. Review status: criteria provided, single submitter. Criteria: ACMG Guidelines, 2015. Collection method: clinical testing. Allele origin: germline. Not counted in ClinVar's aggregate classification.

GeneDx
Classification: Pathogenic. Last evaluated: 2022-05-02. Review status: criteria provided, single submitter. Criteria: GeneDx Variant Classification Process June 2021. Collection method: clinical testing. Allele origin: germline. Affected: yes. Not counted in ClinVar's aggregate classification.
Comment: Published functional studies demonstrate a damaging effect; variant leads to a complete absence of the IL2RG protein on B cell surfaces (Puck et al., 1997); Not observed in large population cohorts (gnomAD); In silico analysis, which includes protein predictors and evolutionary conservation, supports a deleterious effect; This variant is associated with the following publications: (PMID: 10444186, 9633906, 9049783, 10792291, 9058718, 32888943, 9399950, 34134972, 33628209)

Rady Children's Institute for Genomic Medicine, Rady Children's Hospital San Diego
Classification: Pathogenic for COMBINED IMMUNODEFICIENCY, X-LINKED. Last evaluated: 2019-01-24. Review status: criteria provided, single submitter. Criteria: ACMG Guidelines, 2015. Collection method: clinical testing. Allele origin: germline. Affected: yes. Observed: 1 variant allele. Not counted in ClinVar's aggregate classification.
Comment: This variant has been previously reported as a hemizygous change in patients with X-linked severe combined immunodeficiency (SCID) (PMID: 9058718, 9049783), and reported as pathogenic by a clinical laboratory in the ClinVar database. Functional studies using B-cell lines harboring this variant in the hemizygous state from patients with SCID demonstrated that while IL2RG mRNA can be detected, its protein product cannot be detected by immunofluorescence at the cell surface (PMID: 9058718). It is absent from the ExAC and gnomAD population databases and thus is presumed to be rare. The c.670C>T (p.Arg224Trp) variant affects a highly conserved amino acid and is predicted by multiple in silico tools to have a deleterious effect on protein function. Based on the available evidence, the c.670C>T (p.Arg224Trp) variant is classified as pathogenic.

Kasturba Medical College, Manipal, Kasturba Medical College, Manipal, Manipal Academy of Higher Education, Manipal, India
Classification: Pathogenic for X-linked severe combined immunodeficiency. Review status: criteria provided, single submitter. Criteria: ACMG Guidelines, 2015. Collection method: clinical testing. Allele origin: maternal. Affected: yes. Not counted in ClinVar's aggregate classification.

Literature cited by the submitters: PubMed 28747913 (cited by Natera, Inc. and Labcorp Genetics (formerly Invitae), Labcorp); PubMed 21184155 (cited by Natera, Inc. and Labcorp Genetics (formerly Invitae), Labcorp); PubMed 10792291 (cited by Natera, Inc. and Labcorp Genetics (formerly Invitae), Labcorp); PubMed 22105576 (cited by Natera, Inc.); PubMed 9058718 (cited by 3billion and Labcorp Genetics (formerly Invitae), Labcorp); PubMed 9049783 (cited by Labcorp Genetics (formerly Invitae), Labcorp); PubMed 9633906 (cited by Labcorp Genetics (formerly Invitae), Labcorp).

NM_000206.3(IL2RG):c.670C>T (p.Arg224Trp)

Gene: IL2RG (interleukin 2 receptor subunit gamma; minus strand). Cytogenetic location: Xq13.1.
Variant type: single nucleotide variant.
Coding change: c.670C>T on transcript NM_000206.3 (MANE Select); coding-DNA position 670, C replaced by T.
Protein change: p.Arg224Trp; replaces arginine 224 with tryptophan.
Molecular consequence: missense variant.
Genome position (GRCh38, 1-based): chrX:71,109,315, G>A on the plus strand (C>T on the coding strand, the complement: IL2RG is on the minus strand). VCF-style: chrX-71109315-G-A. GRCh37 (hg19) VCF-style: chrX-70329165-G-A.
Other names: NM_000206.3(IL2RG):c.670C>T.
Identifiers: ClinVar variation 225194 (VCV000225194.24), dbSNP rs869320658, ClinGen allele CA358778.
Genomic context (GRCh38, chrX:71,109,315, plus strand): 5'-TTGGGTGGCTCCATTCACTCCAATGCTGAGCACTTCCACAGAGTGGGTTAAAGCGGCTCC[G>A]AACACGAAACGTGTAGCGTTTCTGCCCATCCACACTAGGCAAGGAGAACTTATGTCTATA-3'
Protein context (NP_000197.1, residues 214-234): DGQKRYTFRV[Arg224Trp]SRFNPLCGSA